The following is an entry in ClinVar:

NM_001277115.2(DNAH11):c.5677G>T (p.Gly1893Cys)

Gene: DNAH11 (dynein axonemal heavy chain 11; plus strand). Cytogenetic location: 7p15.3.
Variant type: single nucleotide variant.
Coding change: c.5677G>T on transcript NM_001277115.2 (MANE Select); coding-DNA position 5677, G replaced by T.
Protein change: p.Gly1893Cys; replaces glycine 1893 with cysteine.
Molecular consequence: missense variant.
Genome position (GRCh38, 1-based): chr7:21,687,154, G>T. VCF-style: chr7-21687154-G-T. GRCh37 (hg19) VCF-style: chr7-21726772-G-T.
Other names: short protein forms G1893C.
Identifiers: ClinVar variation 3369701 (VCV003369701.1).
Genomic context (GRCh38, chr7:21,687,154, plus strand): 5'-TAAAGGTGTTATATTACCTTAACTCAATCACTTCATCTAACCATGAGTGGGGCTCCTGCT[G>T]GCCCAGCTGGTACCGGGAAAACAGAGACCACCAAAGACCTAGGACGTGCCCTTGGCATGA-3'
Protein context (NP_001264044.1, residues 1883-1903): LHLTMSGAPA[Gly1893Cys]PAGTGKTETT

ClinVar aggregate classification (germline): Uncertain significance (1 of 4 stars; one submission).

gnomAD v4.1: 1 of 1,613,330 alleles (0.000062%); highest among the groups gnomAD compares: Non-Finnish European, 0.000085%; no homozygotes.

Submission:

GeneDx
Classification: Uncertain significance. Last evaluated: 2024-02-23. Review status: criteria provided, single submitter. Criteria: GeneDx Variant Classification Process June 2021. Collection method: clinical testing. Allele origin: germline. Affected: yes.
Comment: Not observed at significant frequency in large population cohorts (gnomAD); In silico analysis supports that this missense variant has a deleterious effect on protein structure/function; Has not been previously published as pathogenic or benign to our knowledge